The following is an entry in ClinVar:

NM_022336.4(EDAR):c.*935C>T

Genes: EDAR (ectodysplasin A receptor; minus strand), RANBP2 (RAN binding protein 2; plus strand). Cytogenetic location: 2q13.
Variant type: single nucleotide variant.
Coding change: c.*935C>T on transcript NM_022336.4 (MANE Select); 935 bases downstream of the stop codon, C replaced by T.
Molecular consequence: 3 prime UTR variant.
Genome position (GRCh38, 1-based): chr2:108,895,972, G>A on the plus strand (C>T on the coding strand, the complement: EDAR is on the minus strand). VCF-style: chr2-108895972-G-A. GRCh37 (hg19) VCF-style: chr2-109512428-G-A.
Identifiers: ClinVar variation 330697 (VCV000330697.7), dbSNP rs3749096, ClinGen allele CA10610944.

ClinVar aggregate classification (germline): Benign/Likely benign. Review status: criteria provided, multiple submitters, no conflicts (2 of 4 stars). 2 submissions from 2 submitters: Benign (1); Likely benign (1). Last evaluated 2018-01-13.

Conditions:
Hypohidrotic ectodermal dysplasia (HED). Identifiers: Orphanet 238468, MedGen C5848103, MONDO:0016535, HP:0007607.

Allele frequency attached by ClinVar (database versions not stated): TOPMed 0.14772; gnomAD 0.13835 and 0.14095; 1000 Genomes Project 30x 0.16474; 1000 Genomes Project 0.16014.

Submissions (2):

Illumina Laboratory Services, Illumina
Classification: Benign for Hypohidrotic ectodermal dysplasia. Last evaluated: 2018-01-13. Review status: criteria provided, single submitter. Criteria: ICSL Variant Classification Criteria 13 December 2019. Collection method: clinical testing. Allele origin: germline.
Comment: This variant was observed in the ICSL laboratory as part of a predisposition screen in an ostensibly healthy population. It had not been previously curated by ICSL or reported in the Human Gene Mutation Database (HGMD: prior to June 1st, 2018), and was therefore a candidate for classification through an automated scoring system. Utilizing variant allele frequency, disease prevalence and penetrance estimates, and inheritance mode, an automated score was calculated to assess if this variant is too frequent to cause the disease. Based on the score and internal cut-off values, a variant classified as benign is not then subjected to further curation. The score for this variant resulted in a classification of benign for this disease.

Breakthrough Genomics
Classification: Likely benign. Review status: criteria provided, single submitter. Criteria: ACMG Guidelines, 2015. Collection method: not provided. Allele origin: germline. Inheritance: Autosomal recessive inheritance. Affected: yes.